The following is an entry in ClinVar:

NC_000015.9:g.(?_43351880)_(43398220_?)dup

Gene: UBR1 (ubiquitin protein ligase E3 component n-recognin 1; minus strand). Cytogenetic location: 15q15.2.
Variant type: Duplication.
Identifiers: ClinVar variation 2427521 (VCV002427521.4).

ClinVar aggregate classification (germline): Uncertain significance (1 of 4 stars; one submission).

Submission:

Labcorp Genetics (formerly Invitae), Labcorp
Classification: Uncertain significance. Last evaluated: 2021-07-15. Review status: criteria provided, single submitter. Criteria: Invitae Variant Classification Sherloc (09022015). Collection method: clinical testing. Allele origin: germline.
Comment: This variant results in a copy number gain of the genomic region encompassing exon(s) 1-8 of the UBR1 gene. This region includes the initiator codon of the gene. The 5' end of this event is unknown as it extends beyond the assayed region for this gene and therefore may encompass additional genes. The 3' boundary is likely confined to intron 8 of the UBR1 gene. As the precise location of this event is unknown, it may be in tandem or it may be located elsewhere in the genome. This variant has not been reported in the literature in individuals affected with UBR1-related conditions. In summary, the available evidence is currently insufficient to determine the role of this variant in disease. Therefore, it has been classified as a Variant of Uncertain Significance. Experimental studies and prediction algorithms are not available or were not evaluated, and the functional significance of this variant is currently unknown.